The following is an entry in ClinVar:

ClinVar aggregate classification (germline): Uncertain significance (1 of 4 stars; one submission).

Conditions:
Ataxia-telangiectasia syndrome (AT). Also called: Ataxia-telangiectasia; LOUIS-BAR SYNDROME; Ataxia-telangiectasia, complementation group D; AT, COMPLEMENTATION GROUP C; ATAXIA-TELANGIECTASIA, COMPLEMENTATION GROUP A; ATAXIA-TELANGIECTASIA, FRESNO VARIANT. Identifiers: Orphanet 100, MedGen C0004135, MONDO:0008840, OMIM 208900.

Submission:

Labcorp Genetics (formerly Invitae), Labcorp
Classification: Uncertain significance for Ataxia-telangiectasia syndrome. Last evaluated: 2021-06-27. Review status: criteria provided, single submitter. Criteria: Invitae Variant Classification Sherloc (09022015). Collection method: clinical testing. Allele origin: germline.
Comment: This variant is not present in population databases (ExAC no frequency). This variant has not been reported in the literature in individuals with ATM-related conditions. Algorithms developed to predict the effect of missense changes on protein structure and function are either unavailable or do not agree on the potential impact of this missense change (SIFT: "Deleterious"; PolyPhen-2: "Benign"; Align-GVGD: "Class C25"). In summary, the available evidence is currently insufficient to determine the role of this variant in disease. Therefore, it has been classified as a Variant of Uncertain Significance. This sequence change replaces valine with leucine at codon 3005 of the ATM protein (p.Val3005Leu). The valine residue is highly conserved and there is a small physicochemical difference between valine and leucine.

NM_000051.4(ATM):c.9013G>C (p.Val3005Leu)

Genes: C11orf65 (chromosome 11 open reading frame 65; minus strand), ATM (ATM serine/threonine kinase; plus strand). Cytogenetic location: 11q22.3.
Variant type: single nucleotide variant.
Coding change: c.9013G>C on transcript NM_000051.4 (MANE Select); coding-DNA position 9013, G replaced by C.
Protein change: p.Val3005Leu; replaces valine 3005 with leucine.
Molecular consequence: missense variant. On other transcripts: intron variant (2).
Genome position (GRCh38, 1-based): chr11:108,365,350, G>C. VCF-style: chr11-108365350-G-C. GRCh37 (hg19) VCF-style: chr11-108236077-G-C.
Other names: c.9013G>C, p.Val3005Leu (NM_001351834.2); c.640+20570C>G (NM_001330368.2); c.694+20570C>G (NM_001351110.2); short protein forms V3005L.
Identifiers: ClinVar variation 1364167 (VCV001364167.9), dbSNP rs1555151745, ClinGen allele CA382531007.